The following is an entry in ClinVar:

ClinVar aggregate classification (germline): Pathogenic (1 of 4 stars; one submission).

Submission:

GeneDx
Classification: Pathogenic. Last evaluated: 2026-03-10. Review status: criteria provided, single submitter. Criteria: GeneDx Variant Classification Process June 2021. Collection method: clinical testing. Allele origin: germline.
Comment: Nonsense variant predicted to result in protein truncation or nonsense mediated decay in a gene for which loss of function is a known mechanism of disease; Not observed at significant frequency in large population cohorts (gnomAD); Has not been previously published as pathogenic or benign to our knowledge

NM_012141.3(INTS6):c.1634_1635del (p.Ala544_Tyr545insTer)

Gene: INTS6 (integrator complex subunit 6; minus strand). Cytogenetic location: 13q14.3.
Variant type: Deletion.
Coding change: c.1634_1635del on transcript NM_012141.3 (MANE Select); coding-DNA positions 1634 to 1635, 2 bases deleted (AT; older notation c.1634_1635delAT).
Protein change: p.Ala544_Tyr545insTer.
Molecular consequence: nonsense.
Genome position (GRCh38, 1-based): chr13:51,376,142-51,376,143, AT deleted on the plus strand (AT on the coding strand, the reverse complement: INTS6 is on the minus strand); deleting any 2 consecutive bases within chr13:51,376,142-51,376,144 gives the same sequence; the c. name uses the placement nearest the transcript's 3' end. VCF-style (leftmost placement, unchanged base first): chr13-51376141-CAT-C. GRCh37 (hg19) VCF-style: chr13-51950277-CAT-C.
Other names: c.1595_1596del, p.Ala531_Tyr532insTer (NM_001039937.2); c.1100_1101del, p.Ala366_Tyr367insTer (NM_001306091.2).
Identifiers: ClinVar variation 4529706 (VCV004529706.2).